The following is an entry in ClinVar:

NM_020911.2(PLXNA4):c.280A>G (p.Lys94Glu)

Gene: PLXNA4 (plexin A4; minus strand). Cytogenetic location: 7q32.3.
Variant type: single nucleotide variant.
Coding change: c.280A>G on transcript NM_020911.2 (MANE Select); coding-DNA position 280, A replaced by G.
Protein change: p.Lys94Glu; replaces lysine 94 with glutamic acid.
Molecular consequence: missense variant.
Genome position (GRCh38, 1-based): chr7:132,508,414, T>C on the plus strand (A>G on the coding strand, the complement: PLXNA4 is on the minus strand). VCF-style: chr7-132508414-T-C. GRCh37 (hg19) VCF-style: chr7-132193173-T-C.
Other names: c.280A>G, p.Lys94Glu (NM_001105543.2, NM_001393897.1, NM_181775.4); short protein forms K94E.
Identifiers: ClinVar variation 2636189 (VCV002636189.2), dbSNP rs2536778524, ClinGen allele CA369463436.

ClinVar aggregate classification (germline): Uncertain significance (1 of 4 stars; one submission).

Conditions:
PLXNA4-related disorder. Also called: PLXNA4-related condition.

Allele frequency attached by ClinVar (database versions not stated): gnomAD exomes below 0.00001.
gnomAD v4.1: 1 of 1,614,156 alleles (0.000062%); highest among the groups gnomAD compares: Admixed American, 0.0017%; no homozygotes.

Submission:

PreventionGenetics, part of Exact Sciences
Classification: Uncertain significance for PLXNA4-related condition. Last evaluated: 2024-12-11. Review status: criteria provided, single submitter. Criteria: ACMG Guidelines, 2015. Collection method: clinical testing. Allele origin: germline.
Comment: The PLXNA4 c.280A>G variant is predicted to result in the amino acid substitution p.Lys94Glu. To our knowledge, this variant has not been reported in the literature or in a large population database, indicating this variant is rare. At this time, the clinical significance of this variant is uncertain due to the absence of conclusive functional and genetic evidence.